The following is an entry in ClinVar:

ClinVar aggregate classification (germline): Likely pathogenic (1 of 4 stars; one submission).

Conditions:
Maple syrup urine disease (MSUD). Identifiers: Orphanet 511, MedGen C0024776, MeSH D008375, MONDO:0009563. Disease mechanism: loss of function.

Submission:

Myriad Genetics, Inc.
Classification: Likely pathogenic for Maple syrup urine disease type 1A. Last evaluated: 2021-12-09. Review status: criteria provided, single submitter. Criteria: Myriad Women's Health Autosomal Recessive and X-Linked Classification Criteria (2021). Collection method: clinical testing. Allele origin: unknown.
Comment: NM_001918.3(DBT):c.596_615del20ins4(R199Ifs*32) is expected to be pathogenic in the context of maple syrup urine disease type II. This variant is predicted to lead to an abnormal or absent protein product due to the creation of a premature termination codon in DBT, a gene where loss-of-function variants are known to be pathogenic. Please note: this variant was assessed in the context of healthy population screening.

NM_001918.5(DBT):c.596_615delinsTAAT (p.Arg199fs)

Gene: DBT (dihydrolipoamide branched chain transacylase E2; minus strand). Cytogenetic location: 1p21.2.
Variant type: Indel.
Coding change: c.596_615delinsTAAT on transcript NM_001918.5 (MANE Select); coding-DNA positions 596 to 615, GAATACTTAAAGAAGATATC replaced by TAAT.
Protein change: p.Arg199fs; shifts the reading frame from arginine 199.
Molecular consequence: frameshift variant. On other transcripts: non-coding transcript variant (3).
Genome position (GRCh38, 1-based): chr1:100,216,140-100,216,159, GATATCTTCTTTAAGTATTC replaced by ATTA on the plus strand (GAATACTTAAAGAAGATATC replaced by TAAT on the coding strand, the reverse complement: DBT is on the minus strand). VCF-style: chr1-100216140-GATATCTTCTTTAAGTATTC-ATTA. GRCh37 (hg19) VCF-style: chr1-100681696-GATATCTTCTTTAAGTATTC-ATTA.
Other names: c.53_72delinsTAAT, p.Arg18fs (NM_001399969.1, NM_001399972.1); short protein forms R18fs, R199fs.
Identifiers: ClinVar variation 1726252 (VCV001726252.2), dbSNP rs2524154624, ClinGen allele CA2580060688.
Genomic context (GRCh38, chr1:100,216,140, plus strand): 5'-AATTTCAACTTTGGGTGAAGGAGGCAATATAGCTCCTGTCTGCTTTTCCAAATAGTTGAG[GATATCTTCTTTAAGTATTC>ATTA]TGCCATCTTTTCCTGAGCCAACAACTTCACTCAGCTTAATCTAAAAAATGATATATTTTA-3'